The following is an entry in ClinVar:

NM_000503.6(EYA1):c.1009C>T (p.His337Tyr)

Gene: EYA1 (EYA transcriptional coactivator and phosphatase 1; minus strand). Cytogenetic location: 8q13.3.
Variant type: single nucleotide variant.
Coding change: c.1009C>T on transcript NM_000503.6 (MANE Select); coding-DNA position 1009, C replaced by T.
Protein change: p.His337Tyr; replaces histidine 337 with tyrosine.
Molecular consequence: missense variant.
Genome position (GRCh38, 1-based): chr8:71,269,781, G>A on the plus strand (C>T on the coding strand, the complement: EYA1 is on the minus strand). VCF-style: chr8-71269781-G-A. GRCh37 (hg19) VCF-style: chr8-72182016-G-A.
Other names: c.991C>T, p.His331Tyr (NM_001288574.2); c.643C>T, p.His215Tyr (NM_001288575.2); c.1096C>T, p.His366Tyr (NM_001370333.1); c.1009C>T, p.His337Tyr (NM_001370334.1, NM_001370335.1, NM_172058.4); c.1078C>T, p.His360Tyr (NM_001370336.1); c.910C>T, p.His304Tyr (NM_001411797.1, NM_172060.4); c.1081C>T, p.His361Tyr (NM_172059.5); short protein forms H215Y, H337Y, H304Y, H331Y, H361Y, H366Y, H360Y.
Identifiers: ClinVar variation 2770805 (VCV002770805.3), dbSNP rs2538022444, ClinGen allele CA371468299.

ClinVar aggregate classification (germline): Uncertain significance (1 of 4 stars; one submission).

Conditions:
Melnick-Fraser syndrome (BOR). Also called: Branchio-oto-renal syndrome; Branchiootorenal Syndrome (BORS); Branchiootorenal syndrome. Identifiers: Orphanet 107, MedGen C0265234, MONDO:0007029.

Submission:

Labcorp Genetics (formerly Invitae), Labcorp
Classification: Uncertain significance for Melnick-Fraser syndrome. Last evaluated: 2023-10-22. Review status: criteria provided, single submitter. Criteria: Invitae Variant Classification Sherloc (09022015). Collection method: clinical testing. Allele origin: germline.
Comment: This sequence change replaces histidine, which is basic and polar, with tyrosine, which is neutral and polar, at codon 337 of the EYA1 protein (p.His337Tyr). This variant is not present in population databases (gnomAD no frequency). This variant has not been reported in the literature in individuals affected with EYA1-related conditions. Advanced modeling of protein sequence and biophysical properties (such as structural, functional, and spatial information, amino acid conservation, physicochemical variation, residue mobility, and thermodynamic stability) performed at Invitae indicates that this missense variant is not expected to disrupt EYA1 protein function with a negative predictive value of 80%. In summary, the available evidence is currently insufficient to determine the role of this variant in disease. Therefore, it has been classified as a Variant of Uncertain Significance.